The following is an entry in ClinVar:

NM_001849.4(COL6A2):c.2659G>A (p.Glu887Lys)

Gene: COL6A2 (collagen type VI alpha 2 chain; plus strand). Cytogenetic location: 21q22.3.
Variant type: single nucleotide variant.
Coding change: c.2659G>A on transcript NM_001849.4 (MANE Select); coding-DNA position 2659, G replaced by A.
Protein change: p.Glu887Lys; replaces glutamic acid 887 with lysine.
Molecular consequence: missense variant.
Genome position (GRCh38, 1-based): chr21:46,132,151, G>A. VCF-style: chr21-46132151-G-A. GRCh37 (hg19) VCF-style: chr21-47552065-G-A.
Other names: short protein forms E887K.
Identifiers: ClinVar variation 286027 (VCV000286027.20), dbSNP rs886043283, ClinGen allele CA10605333.

ClinVar aggregate classification (germline): Conflicting classifications of pathogenicity. Review status: criteria provided, conflicting classifications (1 of 4 stars). 4 submissions from 4 submitters: Uncertain significance (3); Likely benign (1). Last evaluated 2026-05-01.

Conditions:
Bethlem myopathy 1A. Also called: Bethlem myopathy 1; Bethlem Muscular Dystrophy; MYOPATHY, BENIGN CONGENITAL, WITH CONTRACTURES. Identifiers: Orphanet 610, MedGen CN029274, MONDO:0024530, OMIM 158810.

Allele frequency attached by ClinVar (database versions not stated): gnomAD 0.00006 and 0.00007; gnomAD exomes 0.00007; TOPMed 0.00007.
gnomAD v4.1: 98 of 1,570,154 alleles (0.0062%); highest among the groups gnomAD compares: Non-Finnish European, 0.0068%; no homozygotes.

Submissions (4):

CeGaT Center for Human Genetics Tuebingen
Classification: Uncertain significance. Last evaluated: 2026-05-01. Review status: criteria provided, single submitter. Criteria: CeGaT Center For Human Genetics Tuebingen Variant Classification Criteria Version 2. Collection method: clinical testing. Allele origin: germline. Affected: yes. Observed: 1 variant allele.
Comment: COL6A2: PM2, BP4

Labcorp Genetics (formerly Invitae), Labcorp
Classification: Likely benign for Bethlem myopathy 1A. Last evaluated: 2025-09-26. Review status: criteria provided, single submitter. Criteria: Invitae Variant Classification Sherloc (09022015). Collection method: clinical testing. Allele origin: germline.

Revvity Omics, Revvity
Classification: Uncertain significance. Last evaluated: 2023-06-21. Review status: criteria provided, single submitter. Criteria: ACMG Guidelines, 2015. Collection method: clinical testing. Allele origin: germline.

Eurofins Ntd Llc (ga)
Classification: Uncertain significance. Last evaluated: 2016-02-23. Review status: criteria provided, single submitter. Criteria: EGL Classification Definitions 2015. Collection method: clinical testing. Allele origin: germline. Observed: 2 variant alleles, 2 heterozygotes.